The following is an entry in ClinVar:

NM_005045.4(RELN):c.4397C>G (p.Thr1466Arg)

Gene: RELN (reelin; minus strand). Cytogenetic location: 7q22.1.
Variant type: single nucleotide variant.
Coding change: c.4397C>G on transcript NM_005045.4 (MANE Select); coding-DNA position 4397, C replaced by G.
Protein change: p.Thr1466Arg; replaces threonine 1466 with arginine.
Molecular consequence: missense variant.
Genome position (GRCh38, 1-based): chr7:103,574,206, G>C on the plus strand (C>G on the coding strand, the complement: RELN is on the minus strand). VCF-style: chr7-103574206-G-C. GRCh37 (hg19) VCF-style: chr7-103214653-G-C.
Other names: c.4397C>G, p.Thr1466Arg (NM_173054.3); short protein forms T1466R.
Identifiers: ClinVar variation 3364942 (VCV003364942.2).
Genomic context (GRCh38, chr7:103,574,206, plus strand): 5'-TTGAAGTAGAGAGATTTGCCATCGTTAAGTGTTCCACAGCCAGTTCCAACCTGGGCACCT[G>C]TTATCTTGTACCACAGAGGGCTGAGCTTCCCCTCAAACCTATCGAACATCTCATTGTGAT-3'
Protein context (NP_005036.2, residues 1456-1476): GKLSPLWYKI[Thr1466Arg]GAQVGTGCGT

ClinVar aggregate classification (germline): Uncertain significance (1 of 4 stars; one submission).

Submission:

GeneDx
Classification: Uncertain significance. Last evaluated: 2026-04-01. Review status: criteria provided, single submitter. Criteria: GeneDx Variant Classification Process June 2021. Collection method: clinical testing. Allele origin: germline.
Comment: Not observed at significant frequency in large population cohorts (gnomAD); In silico analysis suggests that this missense variant does not alter protein structure/function; Has not been previously published as pathogenic or benign to our knowledge